The following is an entry in ClinVar:

NM_001482.3(GATM):c.603A>C (p.Lys201Asn)

Gene: GATM (glycine amidinotransferase; minus strand). Cytogenetic location: 15q21.1.
Variant type: single nucleotide variant.
Coding change: c.603A>C on transcript NM_001482.3 (MANE Select); coding-DNA position 603, A replaced by C.
Protein change: p.Lys201Asn; replaces lysine 201 with asparagine.
Molecular consequence: missense variant.
Genome position (GRCh38, 1-based): chr15:45,368,142, T>G on the plus strand (A>C on the coding strand, the complement: GATM is on the minus strand). VCF-style: chr15-45368142-T-G. GRCh37 (hg19) VCF-style: chr15-45660340-T-G.
Other names: c.216A>C, p.Lys72Asn (NM_001321015.2); short protein forms K72N, K201N.
Identifiers: ClinVar variation 651610 (VCV000651610.16), dbSNP rs748600834, ClinGen allele CA7542891.

ClinVar aggregate classification (germline): Conflicting classifications of pathogenicity. Review status: criteria provided, conflicting classifications (1 of 4 stars). 4 submissions from 4 submitters: Uncertain significance (3); Likely benign (1). Last evaluated 2025-09-19.

Conditions:
Arginine:glycine amidinotransferase deficiency (CCDS3). Also called: L-Arginine:Glycine Amidinotransferase Deficiency; L-Arginine:Glycine Amidinotransferase (AGAT) Deficiency; AGAT deficiency; Creatine deficiency syndrome due to AGAT deficiency; GATM deficiency; Cerebral creatine deficiency syndrome 3. Identifiers: Orphanet 35704, MedGen C2675179, MONDO:0012996, OMIM 612718.
Fanconi renotubular syndrome 1. Also called: Toni-Debre-Fanconi syndrome; Neonatal De Toni-Debre-Fanconi syndrome; De Toni-Fanconi syndrome; FRTS1; LUDER-SHELDON SYNDROME. Identifiers: MedGen C4551503, MONDO:0024525, OMIM 134600.
Inborn genetic diseases. Identifiers: MedGen C0950123, MeSH D030342.

Allele frequency attached by ClinVar (database versions not stated): gnomAD exomes 0.00002 and 0.00001; ExAC 0.00003; gnomAD 0.00001; TOPMed 0.00001.
gnomAD v4.1: 23 of 1,614,132 alleles (0.0014%); highest among the groups gnomAD compares: Middle Eastern, 0.033%; no homozygotes.

Submissions (4):

Ambry Genetics
Classification: Likely benign for Inborn genetic diseases. Last evaluated: 2025-09-19. Review status: criteria provided, single submitter. Criteria: Ambry Variant Classification Scheme 2023. Collection method: clinical testing. Allele origin: germline.

Labcorp Genetics (formerly Invitae), Labcorp
Classification: Uncertain significance for Arginine:glycine amidinotransferase deficiency. Last evaluated: 2025-05-26. Review status: criteria provided, single submitter. Criteria: Invitae Variant Classification Sherloc (09022015). Collection method: clinical testing. Allele origin: germline.
Comment: This sequence change replaces lysine, which is basic and polar, with asparagine, which is neutral and polar, at codon 201 of the GATM protein (p.Lys201Asn). This variant is present in population databases (rs748600834, gnomAD 0.006%). This variant has not been reported in the literature in individuals affected with GATM-related conditions. ClinVar contains an entry for this variant (Variation ID: 651610). Invitae Evidence Modeling of protein sequence and biophysical properties (such as structural, functional, and spatial information, amino acid conservation, physicochemical variation, residue mobility, and thermodynamic stability) has been performed for this missense variant. However, the output from this modeling did not meet the statistical confidence thresholds required to predict the impact of this variant on GATM protein function. In summary, the available evidence is currently insufficient to determine the role of this variant in disease. Therefore, it has been classified as a Variant of Uncertain Significance.

Fulgent Genetics
Classification: Uncertain significance for Fanconi renotubular syndrome 1; Arginine:glycine amidinotransferase deficiency. Last evaluated: 2024-04-10. Review status: criteria provided, single submitter. Criteria: ACMG Guidelines, 2015. Collection method: clinical testing. Allele origin: germline.

GeneDx
Classification: Uncertain significance. Last evaluated: 2023-06-27. Review status: criteria provided, single submitter. Criteria: GeneDx Variant Classification Process June 2021. Collection method: clinical testing. Allele origin: germline. Affected: yes.
Comment: Reported in a patient with hypomyelinating leukodystrophy type 2 in the published literature who also had a variant in another gene that may have been responsible for the phenotype (Komachali et al., 2022); Not observed at a significant frequency in large population cohorts (gnomAD); In silico analysis supports that this missense variant has a deleterious effect on protein structure/function; This variant is associated with the following publications: (PMID: 35794704)